The following is an entry in ClinVar:

ClinVar aggregate classification (germline): Benign (1 of 4 stars; one submission).

Allele frequency attached by ClinVar (database versions not stated): 1000 Genomes Project 30x 0.00016; gnomAD exomes 0.00030; gnomAD 0.00037.
gnomAD v4.1: 512 of 1,586,074 alleles (0.032%); highest among the groups gnomAD compares: Middle Eastern, 0.05%; 60 homozygotes.

Submission:

CeGaT Center for Human Genetics Tuebingen
Classification: Benign. Last evaluated: 2024-06-01. Review status: criteria provided, single submitter. Criteria: CeGaT Center For Human Genetics Tuebingen Variant Classification Criteria Version 2. Collection method: clinical testing. Allele origin: germline. Affected: yes. Observed: 2 variant alleles.
Comment: AHNAK2: BP4, BS1, BS2

NM_138420.4(AHNAK2):c.4951G>A (p.Val1651Met)

Gene: AHNAK2 (AHNAK nucleoprotein 2; minus strand). Cytogenetic location: 14q32.33.
Variant type: single nucleotide variant.
Coding change: c.4951G>A on transcript NM_138420.4 (MANE Select); coding-DNA position 4951, G replaced by A.
Protein change: p.Val1651Met; replaces valine 1651 with methionine.
Molecular consequence: missense variant.
Genome position (GRCh38, 1-based): chr14:104,950,500, C>T on the plus strand (G>A on the coding strand, the complement: AHNAK2 is on the minus strand). VCF-style: chr14-104950500-C-T. GRCh37 (hg19) VCF-style: chr14-105416837-C-T.
Other names: c.4651G>A, p.Val1551Met (NM_001350929.2); short protein forms V1551M, V1651M.
Identifiers: ClinVar variation 2644813 (VCV002644813.24), dbSNP rs770560938, ClinGen allele CA7382101.